The following is an entry in ClinVar:

ClinVar aggregate classification (germline): Uncertain significance (1 of 4 stars; one submission).

gnomAD v4.1: 2 of 1,613,954 alleles (0.00012%); highest among the groups gnomAD compares: Non-Finnish European, 0.00017%; no homozygotes.

Submission:

Mayo Clinic Laboratories, Mayo Clinic
Classification: Uncertain significance. Last evaluated: 2023-12-12. Review status: criteria provided, single submitter. Criteria: ACMG Guidelines, 2015. Collection method: clinical testing. Allele origin: germline. Observed: 3 variant alleles.
Comment: BP4

NM_000081.4(LYST):c.1808C>G (p.Ala603Gly)

Gene: LYST (lysosomal trafficking regulator; minus strand). Cytogenetic location: 1q42.3.
Variant type: single nucleotide variant.
Coding change: c.1808C>G on transcript NM_000081.4 (MANE Select); coding-DNA position 1808, C replaced by G.
Protein change: p.Ala603Gly; replaces alanine 603 with glycine.
Molecular consequence: missense variant.
Genome position (GRCh38, 1-based): chr1:235,809,010, G>C on the plus strand (C>G on the coding strand, the complement: LYST is on the minus strand). VCF-style: chr1-235809010-G-C. GRCh37 (hg19) VCF-style: chr1-235972310-G-C.
Other names: p.Ala603Gly; c.1808C>G, p.Ala603Gly (NM_001301365.1); short protein forms A603G.
Identifiers: ClinVar variation 3380779 (VCV003380779.1).